The following is an entry in ClinVar:

ClinVar aggregate classification (germline): Uncertain significance. Review status: criteria provided, multiple submitters, no conflicts (2 of 4 stars). 3 submissions from 3 submitters: Uncertain significance (3). Last evaluated 2025-12-30.

Conditions:
Cardiovascular phenotype. Identifiers: MedGen CN230736.
Familial hypobetalipoproteinemia 1. Also called: Hypobetalipoproteinemia, normotriglyceridemic; Acanthocytosis with hypobetalipoproteinemia; APOB-Related Familial Hypobetalipoproteinemia. Identifiers: MedGen C4551990, MONDO:0014252, OMIM 615558.
Hypercholesterolemia, autosomal dominant, type B (FHCL2). Also called: Familial Hypercholesterolemia Type B; APOLIPOPROTEIN B-100, FAMILIAL DEFECTIVE; APOLIPOPROTEIN B-100, FAMILIAL LIGAND-DEFECTIVE; HYPERCHOLESTEROLEMIA, FAMILIAL, DUE TO LIGAND-DEFECTIVE APOLIPOPROTEIN B; Familial hypercholesterolemia 2; APOB-Related Familial Hypercholesterolemia, Autosomal Dominant. Identifiers: MedGen C1704417, MONDO:0007751, OMIM 144010.

Allele frequency attached by ClinVar (database versions not stated): gnomAD exomes 0.00001; gnomAD 0.00003 and 0.00004; TOPMed 0.00004.
gnomAD v4.1: 12 of 1,614,002 alleles (0.00074%); highest among the groups gnomAD compares: African/African-American, 0.016%; no homozygotes.

Submissions (3):

Ambry Genetics
Classification: Uncertain significance for Cardiovascular phenotype. Last evaluated: 2025-12-30. Review status: criteria provided, single submitter. Criteria: Ambry Variant Classification Scheme 2023. Collection method: clinical testing. Allele origin: germline.

GeneDx
Classification: Uncertain significance. Last evaluated: 2025-02-27. Review status: criteria provided, single submitter. Criteria: GeneDx Variant Classification Process June 2021. Collection method: clinical testing. Allele origin: germline. Affected: yes.
Comment: Not observed at significant frequency in large population cohorts (gnomAD); In silico analysis indicates that this missense variant does not alter protein structure/function; Has not been previously published as pathogenic or benign to our knowledge; Also known as p.(V464A)

Labcorp Genetics (formerly Invitae), Labcorp
Classification: Uncertain significance for Familial hypobetalipoproteinemia 1; Hypercholesterolemia, autosomal dominant, type B. Last evaluated: 2024-10-04. Review status: criteria provided, single submitter. Criteria: Invitae Variant Classification Sherloc (09022015). Collection method: clinical testing. Allele origin: germline.
Comment: This sequence change replaces valine, which is neutral and non-polar, with alanine, which is neutral and non-polar, at codon 491 of the APOB protein (p.Val491Ala). This variant is not present in population databases (gnomAD no frequency). This variant has not been reported in the literature in individuals affected with APOB-related conditions. ClinVar contains an entry for this variant (Variation ID: 660622). An algorithm developed to predict the effect of missense changes on protein structure and function outputs the following: PolyPhen-2: "Benign". The alanine amino acid residue is found in multiple mammalian species, which suggests that this missense change does not adversely affect protein function. In summary, the available evidence is currently insufficient to determine the role of this variant in disease. Therefore, it has been classified as a Variant of Uncertain Significance.

NM_000384.3(APOB):c.1472T>C (p.Val491Ala)

Gene: APOB (apolipoprotein B; minus strand). Cytogenetic location: 2p24.1.
Variant type: single nucleotide variant.
Coding change: c.1472T>C on transcript NM_000384.3 (MANE Select); coding-DNA position 1472, T replaced by C.
Protein change: p.Val491Ala; replaces valine 491 with alanine.
Molecular consequence: missense variant.
Genome position (GRCh38, 1-based): chr2:21,029,784, A>G on the plus strand (T>C on the coding strand, the complement: APOB is on the minus strand). VCF-style: chr2-21029784-A-G. GRCh37 (hg19) VCF-style: chr2-21252656-A-G.
Other names: short protein forms V491A.
Identifiers: ClinVar variation 660622 (VCV000660622.17), dbSNP rs996700659, ClinGen allele CA43525725.
Genomic context (GRCh38, chr2:21,029,784, plus strand): 5'-AGGATTGAAGACTTGAGTTCTGGAGTTAACTGCTCCATGGTTTGGCCCATATTTCCAATG[A>G]CCTGCATTGAAGAAAAGAAACAAGAACCCATCAGGGTGCAGGAGAGGGAAGTAAAAGGTG-3'
Protein context (NP_000375.3, residues 481-501): DEDYTYLILR[Val491Ala]IGNMGQTMEQ